The following is an entry in ClinVar:

NM_003995.4(NPR2):c.1621G>T (p.Gly541Cys)

Gene: NPR2 (natriuretic peptide receptor 2; plus strand). Cytogenetic location: 9p13.3.
Variant type: single nucleotide variant.
Coding change: c.1621G>T on transcript NM_003995.4 (MANE Select); coding-DNA position 1621, G replaced by T.
Protein change: p.Gly541Cys; replaces glycine 541 with cysteine.
Molecular consequence: missense variant.
Genome position (GRCh38, 1-based): chr9:35,801,989, G>T. VCF-style: chr9-35801989-G-T. GRCh37 (hg19) VCF-style: chr9-35801986-G-T.
Other names: c.1630G>T, p.Gly544Cys (NM_001378923.1); short protein forms G541C, G544C.
Identifiers: ClinVar variation 3629996 (VCV003629996.1).

ClinVar aggregate classification (germline): Uncertain significance (1 of 4 stars; one submission).

gnomAD v4.1: 2 of 1,613,826 alleles (0.00012%); highest among the groups gnomAD compares: Admixed American, 0.0017%; no homozygotes.

Submission:

Women's Health and Genetics/Laboratory Corporation of America, LabCorp
Classification: Uncertain significance. Last evaluated: 2024-11-19. Review status: criteria provided, single submitter. Criteria: LabCorp Variant Classification Summary - May 2015. Collection method: clinical testing. Allele origin: germline.
Comment: Variant summary: NPR2 c.1621G>T (p.Gly541Cys) results in a non-conservative amino acid change located in the Pseudokinase domain of the membrane Guanylate Cyclase receptors, GC-A and GC-B of the encoded protein sequence. Four of five in-silico tools predict a damaging effect of the variant on protein function. The variant allele was found at a frequency of 4e-06 in 251148 control chromosomes. The available data on variant occurrences in the general population are insufficient to allow any conclusion about variant significance. To our knowledge, no occurrence of c.1621G>T in individuals affected with NPR2-Related Disorders and no experimental evidence demonstrating its impact on protein function have been reported. No submitters have cited clinical-significance assessments for this variant to ClinVar. Based on the evidence outlined above, the variant was classified as uncertain significance.